The following is an entry in ClinVar:

NM_000535.7(PMS2):c.1316C>T (p.Thr439Ile)

Gene: PMS2 (PMS1 homolog 2, mismatch repair system component; minus strand). Cytogenetic location: 7p22.1.
Variant type: single nucleotide variant.
Coding change: c.1316C>T on transcript NM_000535.7 (MANE Select); coding-DNA position 1316, C replaced by T.
Protein change: p.Thr439Ile; replaces threonine 439 with isoleucine.
Molecular consequence: missense variant. On other transcripts: non-coding transcript variant (1).
Genome position (GRCh38, 1-based): chr7:5,987,449, G>A on the plus strand (C>T on the coding strand, the complement: PMS2 is on the minus strand). VCF-style: chr7-5987449-G-A. GRCh37 (hg19) VCF-style: chr7-6027080-G-A.
Other names: c.911C>T, p.Thr304Ile (NM_001322003.2, NM_001322004.2, NM_001322005.2 and 1 more transcripts); c.1160C>T, p.Thr387Ile (NM_001322006.2); c.998C>T, p.Thr333Ile (NM_001322007.2, NM_001322008.2); c.755C>T, p.Thr252Ile (NM_001322010.2); c.383C>T, p.Thr128Ile (NM_001322011.2, NM_001322012.2); c.743C>T, p.Thr248Ile (NM_001322013.2); c.1316C>T, p.Thr439Ile (NM_001322014.2); c.1007C>T, p.Thr336Ile (NM_001322015.2); short protein forms T248I, T333I, T252I, T304I, T439I, T128I, T336I, T387I.
Identifiers: ClinVar variation 654996 (VCV000654996.22), dbSNP rs1187749040, ClinGen allele CA366742349.
Genomic context (GRCh38, chr7:5,987,449, plus strand): 5'-GAAGTGCTAGAAGACAGCATACCCCTTTTCTGTCCTAGAGGGCTCCTTCTTGGTTCTGGA[G>A]TCTTTGGGCTGTGAGGCTTGTTCTCTGTTGTGTGACGAAGAGAAAAGGCCTCTCGCAGTC-3'
Protein context (NP_000526.2, residues 429-449): TTENKPHSPK[Thr439Ile]PEPRRSPLGQ

ClinVar aggregate classification (germline): Uncertain significance. Review status: criteria provided, multiple submitters, no conflicts (2 of 4 stars). 7 submissions from 7 submitters: Uncertain significance (7). Last evaluated 2025-10-27.

Conditions:
Hereditary nonpolyposis colorectal neoplasms. Identifiers: MedGen C0009405, MeSH D003123.
Lynch syndrome 4 (LYNCH4). Also called: Colorectal cancer, hereditary nonpolyposis, type 4; Hereditary non-polyposis colorectal cancer, type 4. Identifiers: Orphanet 144, MedGen C1838333, MONDO:0013699, OMIM 614337. Disease mechanism: loss of function.
Hereditary cancer-predisposing syndrome. Also called: Hereditary neoplastic syndrome; Hereditary Cancer Syndrome; Tumor predisposition; Neoplastic Syndromes, Hereditary. Identifiers: Orphanet 140162, MedGen C0027672, MeSH D009386, MONDO:0015356.

Allele frequency attached by ClinVar (database versions not stated): gnomAD exomes below 0.00001 and 0.00001.
gnomAD v4.1: 4 of 1,614,082 alleles (0.00025%); highest among the groups gnomAD compares: South Asian, 0.0033%; no homozygotes.

Submissions (7):

Labcorp Genetics (formerly Invitae), Labcorp
Classification: Uncertain significance for Hereditary nonpolyposis colorectal neoplasms. Last evaluated: 2025-10-27. Review status: criteria provided, single submitter. Criteria: Invitae Variant Classification Sherloc (09022015). Collection method: clinical testing. Allele origin: germline.
Comment: This sequence change replaces threonine, which is neutral and polar, with isoleucine, which is neutral and non-polar, at codon 439 of the PMS2 protein (p.Thr439Ile). This variant is present in population databases (no rsID available, gnomAD 0.006%). This variant has not been reported in the literature in individuals affected with PMS2-related conditions. ClinVar contains an entry for this variant (Variation ID: 654996). Invitae Evidence Modeling incorporating data from in vitro experimental studies (internal data) indicates that this missense variant is not expected to disrupt PMS2 function with a negative predictive value of 95%. In summary, the available evidence is currently insufficient to determine the role of this variant in disease. Therefore, it has been classified as a Variant of Uncertain Significance.

Color Diagnostics, LLC DBA Color Health
Classification: Uncertain significance for Hereditary cancer-predisposing syndrome. Last evaluated: 2025-01-13. Review status: criteria provided, single submitter. Criteria: ACMG Guidelines, 2015. Collection method: clinical testing. Allele origin: germline.
Comment: This missense variant replaces threonine with isoleucine at codon 439 of the PMS2 protein. Computational prediction suggests that this variant may not impact protein structure and function (internally defined REVEL score threshold <= 0.5, PMID: 27666373). To our knowledge, functional studies have not been reported for this variant. This variant has not been reported in individuals affected with PMS2-related disorders in the literature. This variant has been identified in 2/251348 chromosomes in the general population by the Genome Aggregation Database (gnomAD). The available evidence is insufficient to determine the role of this variant in disease conclusively. Therefore, this variant is classified as a Variant of Uncertain Significance.

Ambry Genetics
Classification: Uncertain significance for Hereditary cancer-predisposing syndrome. Last evaluated: 2024-06-11. Review status: criteria provided, single submitter. Criteria: Ambry Variant Classification Scheme 2023. Collection method: clinical testing. Allele origin: germline.
Comment: The p.T439I variant (also known as c.1316C>T), located in coding exon 11 of the PMS2 gene, results from a C to T substitution at nucleotide position 1316. The threonine at codon 439 is replaced by isoleucine, an amino acid with similar properties. This amino acid position is not well conserved in available vertebrate species. In addition, this alteration is predicted to be tolerated by in silico analysis. Since supporting evidence is limited at this time, the clinical significance of this alteration remains unclear.

Baylor Genetics
Classification: Uncertain significance for Lynch syndrome 4. Last evaluated: 2024-03-08. Review status: criteria provided, single submitter. Criteria: ACMG Guidelines, 2015. Collection method: clinical testing. Allele origin: unknown.

Quest Diagnostics Nichols Institute San Juan Capistrano
Classification: Uncertain significance. Last evaluated: 2023-12-27. Review status: criteria provided, single submitter. Criteria: Quest Diagnostics criteria. Collection method: clinical testing. Allele origin: unknown.
Comment: The PMS2 c.1316C>T (p.Thr439Ile) variant has not been reported in individuals with PMS2-related conditions in the published literature. The frequency of this variant in the general population, 0.000008 (2/251348 chromosomes (Genome Aggregation Database)), is uninformative in the assessment of its pathogenicity. Analysis of this variant using bioinformatics tools for the prediction of the effect of amino acid changes on protein structure and function yielded predictions that this variant is benign. Based on the available information, we are unable to determine the clinical significance of this variant.

Blueprint Genetics
Classification: Uncertain significance. Last evaluated: 2022-01-24. Review status: criteria provided, single submitter. Criteria: ACMG Guidelines, 2015. Collection method: clinical testing. Allele origin: germline.

GeneDx
Classification: Uncertain significance. Last evaluated: 2019-08-14. Review status: criteria provided, single submitter. Criteria: GeneDx Variant Classification Process June 2021. Collection method: clinical testing. Allele origin: germline. Affected: yes.
Comment: Not observed at a significant frequency in large population cohorts (Lek et al., 2016); In silico analysis, which includes protein predictors and evolutionary conservation, supports that this variant does not alter protein structure/function; Has not been previously published as pathogenic or benign to our knowledge